The following is an entry in ClinVar:

NM_032119.4(ADGRV1):c.16537G>T (p.Ala5513Ser)

Gene: ADGRV1 (adhesion G protein-coupled receptor V1; plus strand). Cytogenetic location: 5q14.3.
Variant type: single nucleotide variant.
Coding change: c.16537G>T on transcript NM_032119.4 (MANE Select); coding-DNA position 16537, G replaced by T.
Protein change: p.Ala5513Ser; replaces alanine 5513 with serine.
Molecular consequence: missense variant. On other transcripts: non-coding transcript variant (1).
Genome position (GRCh38, 1-based): chr5:90,829,112, G>T. VCF-style: chr5-90829112-G-T. GRCh37 (hg19) VCF-style: chr5-90124929-G-T.
Other names: c.16537G>T (NM_032119.3); short protein forms A5513S.
Identifiers: ClinVar variation 1442429 (VCV001442429.9), dbSNP rs372113605, ClinGen allele CA3342173.

ClinVar aggregate classification (germline): Conflicting classifications of pathogenicity. Review status: criteria provided, conflicting classifications (1 of 4 stars). 4 submissions from 4 submitters: Uncertain significance (3); Likely benign (1). Last evaluated 2026-08-19.

Conditions:
Inborn genetic diseases. Identifiers: MedGen C0950123, MeSH D030342.
ADGRV1-related disorder. Also called: ADGRV1-related disorders; ADGRV1-related condition.

Allele frequency attached by ClinVar (database versions not stated): ESP Exome Variant Server 0.00017.
gnomAD v4.1: 51 of 1,611,890 alleles (0.0032%); highest among the groups gnomAD compares: Non-Finnish European, 0.004%; no homozygotes.

Submissions (4):

PreventionGenetics, part of Exact Sciences
Classification: Uncertain significance for ADGRV1-related condition. Last evaluated: 2026-08-19. Review status: criteria provided, single submitter. Criteria: ACMG Guidelines, 2015. Collection method: clinical testing. Allele origin: germline.
Comment: The ADGRV1 c.16537G>T variant is predicted to result in the amino acid substitution p.Ala5513Ser. To our knowledge, this variant has not been reported in the literature. This variant is reported in 0.012% of alleles in individuals of European (Non-Finnish) descent in gnomAD. At this time, the clinical significance of this variant is uncertain due to the absence of conclusive functional and genetic evidence.

Labcorp Genetics (formerly Invitae), Labcorp
Classification: Likely benign. Last evaluated: 2025-12-08. Review status: criteria provided, single submitter. Criteria: Invitae Variant Classification Sherloc (09022015). Collection method: clinical testing. Allele origin: germline.

GeneDx
Classification: Uncertain significance. Last evaluated: 2024-06-03. Review status: criteria provided, single submitter. Criteria: GeneDx Variant Classification Process June 2021. Collection method: clinical testing. Allele origin: germline. Affected: yes.
Comment: In silico analysis indicates that this missense variant does not alter protein structure/function; Has not been previously published as pathogenic or benign to our knowledge

Ambry Genetics
Classification: Uncertain significance for Inborn genetic diseases. Last evaluated: 2023-08-02. Review status: criteria provided, single submitter. Criteria: Ambry Variant Classification Scheme 2023. Collection method: clinical testing. Allele origin: germline.